The following is an entry in ClinVar:

ClinVar aggregate classification (germline): Uncertain significance. Review status: criteria provided, multiple submitters, no conflicts (2 of 4 stars). 3 submissions from 3 submitters: Uncertain significance (3). Last evaluated 2025-09-23.

Conditions:
TUB-related disorder. Also called: TUB-related condition.

Allele frequency attached by ClinVar (database versions not stated): gnomAD 0.00001; TOPMed 0.00001; ExAC 0.00002.
gnomAD v4.1: 7 of 1,613,870 alleles (0.00043%); highest among the groups gnomAD compares: Admixed American, 0.0017%; no homozygotes.

Submissions (3):

PreventionGenetics, part of Exact Sciences
Classification: Uncertain significance for TUB-related condition. Last evaluated: 2025-09-23. Review status: criteria provided, single submitter. Criteria: ACMG Guidelines, 2015. Collection method: clinical testing. Allele origin: germline.
Comment: The TUB c.88A>G variant is predicted to result in the amino acid substitution p.Met30Val. To our knowledge, this variant has not been reported in the literature. This variant is reported in 0.0062% of alleles in individuals of African descent in gnomAD. At this time, the clinical significance of this variant is uncertain due to the absence of conclusive functional and genetic evidence.

Labcorp Genetics (formerly Invitae), Labcorp
Classification: Uncertain significance. Last evaluated: 2025-04-28. Review status: criteria provided, single submitter. Criteria: Invitae Variant Classification Sherloc (09022015). Collection method: clinical testing. Allele origin: germline.
Comment: This sequence change replaces methionine, which is neutral and non-polar, with valine, which is neutral and non-polar, at codon 30 of the TUB protein (p.Met30Val). This variant is present in population databases (rs774373147, gnomAD 0.007%). This variant has not been reported in the literature in individuals affected with TUB-related conditions. ClinVar contains an entry for this variant (Variation ID: 1061454). An algorithm developed to predict the effect of missense changes on protein structure and function (PolyPhen-2) suggests that this variant is likely to be tolerated. In summary, the available evidence is currently insufficient to determine the role of this variant in disease. Therefore, it has been classified as a Variant of Uncertain Significance.

Blueprint Genetics
Classification: Uncertain significance. Last evaluated: 2021-06-30. Review status: criteria provided, single submitter. Criteria: ACMG Guidelines, 2015. Collection method: clinical testing. Allele origin: germline.

NM_003320.5(TUB):c.88A>G (p.Met30Val)

Gene: TUB (TUB bipartite transcription factor; plus strand). Cytogenetic location: 11p15.4.
Variant type: single nucleotide variant.
Coding change: c.88A>G on transcript NM_003320.5; coding-DNA position 88, A replaced by G.
Protein change: p.Met30Val; replaces methionine 30 with valine.
Molecular consequence: missense variant. On other transcripts: intron variant (4).
Genome position (GRCh38, 1-based): chr11:8,038,961, A>G. VCF-style: chr11-8038961-A-G. GRCh37 (hg19) VCF-style: chr11-8060508-A-G.
Other names: c.56+19603A>G (NM_001440538.1, NM_001440539.1, NM_001440540.1 and 1 more transcripts); short protein forms M30V.
Identifiers: ClinVar variation 1061454 (VCV001061454.11), dbSNP rs774373147, ClinGen allele CA5870808.
Genomic context (GRCh38, chr11:8,038,961, plus strand): 5'-TTCTGGGTTTCTTTCTTTGCCGAGACAGGGATTTTGTTCCCAGGAGGCACTCCCTGGCCC[A>G]TGGGATCTCAGCATTCAAAGCAGCACAGGAAACCTGGGCCCCTGAAACGGGGCCACCGAA-3'